The following is an entry in ClinVar:

NM_000390.4(CHM):c.1609+2T>A

Gene: CHM (CHM Rab escort protein; minus strand). Cytogenetic location: Xq21.2.
Variant type: single nucleotide variant.
Coding change: c.1609+2T>A on transcript NM_000390.4 (MANE Select); the canonical splice donor site of the intron after coding-DNA position 1609, T replaced by A.
Molecular consequence: splice donor variant.
Genome position (GRCh38, 1-based): chrX:85,878,963, A>T on the plus strand (T>A on the coding strand, the complement: CHM is on the minus strand). VCF-style: chrX-85878963-A-T. GRCh37 (hg19) VCF-style: chrX-85133968-A-T.
Other names: NC_000023.10:g.85133968A>T; c.1609+2T>A (NM_000390.3); c.1165+2T>A (NM_001362519.1, NM_001362517.1, NM_001320959.1 and 1 more transcripts).
Identifiers: ClinVar variation 449646 (VCV000449646.6), dbSNP rs1556217900, ClinGen allele CA413787470.

ClinVar aggregate classification (germline): Pathogenic/Likely pathogenic. Review status: criteria provided, multiple submitters, no conflicts (2 of 4 stars). 3 submissions from 3 submitters: Pathogenic (1); Likely pathogenic (2). Last evaluated 2025-01-15.

Conditions:
CHM-related disorders.
Choroideremia. Also called: Chorioretinal scalloped atrophy. Identifiers: Orphanet 180, MedGen C0008525, MONDO:0010557, OMIM 303100, HP:0001139.

Submissions (4):

Natera, Inc.
Classification: Likely pathogenic for Choroideremia. Last evaluated: 2025-01-15. Review status: criteria provided, single submitter. Criteria: Natera Variant Classification Schema (03/2026). Collection method: clinical testing. Allele origin: germline.
Comment: The c.1609+2T>A variant in CHM is a canonical splice donor site variant predicted to affect pre-mRNA splicing, which may result in an abnormal transcript and altered protein product. This variant is expected to result in nonsense mediated decay, truncation, or a dysfunctional protein product. This variant is rare in the general population with a frequency below the threshold expected for the associated phenotype(s). Given the available evidence, this variant is classified as Likely Pathogenic.

Blueprint Genetics
Classification: Likely pathogenic for CHM-related disorders. Last evaluated: 2022-11-14. Review status: criteria provided, single submitter. Criteria: ACMG Guidelines, 2015. Collection method: clinical testing. Allele origin: germline. Affected: yes. Observed: 1 variant allele.

GeneDx
Classification: Pathogenic. Last evaluated: 2016-01-15. Review status: criteria provided, single submitter. Criteria: GeneDx Variant Classification (06012015). Collection method: clinical testing. Allele origin: germline. Affected: yes.
Comment: The c.1609+2 T>A splice site variant in the CHM gene destroys the canonical splice donor site in intron 13. It is predicted to cause abnormal gene splicing, either leading to an abnormal message that is subject to nonsense-mediated mRNA decay, or to an abnormal protein product if the message is used for protein translation. The c.1609+2 T>A variant was not observed in approximately 6,500 individuals of European and African American ancestry in the NHLBI Exome Sequencing Project, indicating it is not a common benign variant in these populations.

Dr. Peter K. Rogan Lab, Western University
No classification provided (evidence only). Condition: Nonpapillary renal cell carcinoma. Review status: no classification provided. Collection method: in vitro. Allele origin: not applicable. Functional consequence: skipped exon. Not counted in ClinVar's aggregate classification.